The following is an entry in ClinVar:

ClinVar aggregate classification (germline): Uncertain significance (1 of 4 stars; one submission).

Conditions:
Encephalopathy, acute, infection-induced (herpes-specific), susceptibility to, 1. Also called: Herpes simplex encephalitis, susceptibility to, 1. Identifiers: Orphanet 1930, MedGen C2750180, MONDO:0024563, OMIM 610551.

Allele frequency attached by ClinVar (database versions not stated): gnomAD exomes 0.00001.

Submission:

Labcorp Genetics (formerly Invitae), Labcorp
Classification: Uncertain significance for Encephalopathy, acute, infection-induced (herpes-specific), susceptibility to, 1. Last evaluated: 2019-11-05. Review status: criteria provided, single submitter. Criteria: Invitae Variant Classification Sherloc (09022015). Collection method: clinical testing. Allele origin: germline.
Comment: This variant has not been reported in the literature in individuals with TLR3-related conditions. This variant is present in population databases (rs540959112, ExAC no frequency). Algorithms developed to predict the effect of missense changes on protein structure and function (SIFT, PolyPhen-2, Align-GVGD) all suggest that this variant is likely to be tolerated, but these predictions have not been confirmed by published functional studies and their clinical significance is uncertain. In summary, the available evidence is currently insufficient to determine the role of this variant in disease. Therefore, it has been classified as a Variant of Uncertain Significance. This sequence change replaces leucine with isoleucine at codon 690 of the TLR3 protein (p.Leu690Ile). The leucine residue is weakly conserved and there is a small physicochemical difference between leucine and isoleucine.

NM_003265.3(TLR3):c.2068C>A (p.Leu690Ile)

Gene: TLR3 (toll like receptor 3; plus strand). Cytogenetic location: 4q35.1.
Variant type: single nucleotide variant.
Coding change: c.2068C>A on transcript NM_003265.3 (MANE Select); coding-DNA position 2068, C replaced by A.
Protein change: p.Leu690Ile; replaces leucine 690 with isoleucine.
Molecular consequence: missense variant.
Genome position (GRCh38, 1-based): chr4:186,083,754, C>A. VCF-style: chr4-186083754-C-A. GRCh37 (hg19) VCF-style: chr4-187004908-C-A.
Other names: short protein forms L690I.
Identifiers: ClinVar variation 954829 (VCV000954829.10), dbSNP rs540959112, ClinGen allele CA3161512.